The following is an entry in ClinVar:

NM_000540.3(RYR1):c.12657C>T (p.Asp4219=)

Gene: RYR1 (ryanodine receptor 1; plus strand). Cytogenetic location: 19q13.2.
Variant type: single nucleotide variant.
Coding change: c.12657C>T on transcript NM_000540.3 (MANE Select); coding-DNA position 12657, C replaced by T.
Protein change: p.Asp4219=; no amino-acid change (aspartic acid 4219 retained).
Molecular consequence: synonymous variant.
Genome position (GRCh38, 1-based): chr19:38,564,991, C>T. VCF-style: chr19-38564991-C-T. GRCh37 (hg19) VCF-style: chr19-39055631-C-T.
Other names: c.12642C>T, p.Asp4214= (NM_001042723.2).
Identifiers: ClinVar variation 774018 (VCV000774018.7), dbSNP rs770604994, ClinGen allele CA059297.

ClinVar aggregate classification (germline): Likely benign. Review status: criteria provided, multiple submitters, no conflicts (2 of 4 stars). 2 submissions from 2 submitters: Likely benign (2). Last evaluated 2023-12-13.

Conditions:
RYR1-related disorder. Also called: RYR1-related disorders; RYR1-related condition. Identifiers: MedGen CN239331.
Malignant hyperthermia, susceptibility to, 1 (MHS1). Also called: Anesthesia related hyperthermia; Malignant hyperpyrexia; Fulminating hyperpyrexia; Pharmacogenic myopathy; Malignant hyperthermia suceptibility 1; RYR1-Related Malignant Hyperthermia Susceptibility. Identifiers: Orphanet 423, MedGen C2930980, MONDO:0007783, OMIM 145600.

Allele frequency attached by ClinVar (database versions not stated): ExAC 0.00003.
gnomAD v4.1: 6 of 1,592,088 alleles (0.00038%); highest among the groups gnomAD compares: Admixed American, 0.0018%; no homozygotes.

Submissions (2):

All of Us Research Program, National Institutes of Health
Classification: Likely benign for Malignant hyperthermia, susceptibility to, 1. Last evaluated: 2023-12-13. Review status: criteria provided, single submitter. Criteria: ACMG Guidelines, 2015. Collection method: clinical testing. Allele origin: germline. Inheritance: Autosomal dominant inheritance. Observed: 3 variant alleles, 3 heterozygotes.
Comment: This study involves interpretation of variants in research participants for the purpose of population health screening. Participant phenotype was not available at the time of variant classification. Additional details can be found in publication PMID: 35346344, PMCID: PMC8962531

Labcorp Genetics (formerly Invitae), Labcorp
Classification: Likely benign for RYR1-related disorder. Last evaluated: 2023-06-18. Review status: criteria provided, single submitter. Criteria: Invitae Variant Classification Sherloc (09022015). Collection method: clinical testing. Allele origin: germline.